The following is an entry in ClinVar:

NM_000170.3(GLDC):c.2919+3A>G

Gene: GLDC (glycine decarboxylase; minus strand). Cytogenetic location: 9p24.1.
Variant type: single nucleotide variant.
Coding change: c.2919+3A>G on transcript NM_000170.3 (MANE Select); 3 bases into the intron after coding-DNA position 2919, A replaced by G.
Molecular consequence: intron variant.
Genome position (GRCh38, 1-based): chr9:6,534,705, T>C on the plus strand (A>G on the coding strand, the complement: GLDC is on the minus strand). VCF-style: chr9-6534705-T-C. GRCh37 (hg19) VCF-style: chr9-6534705-T-C.
Identifiers: ClinVar variation 367173 (VCV000367173.21), dbSNP rs73639325, ClinGen allele CA4980020.

ClinVar aggregate classification (germline): Benign/Likely benign. Review status: criteria provided, multiple submitters, no conflicts (2 of 4 stars). 6 submissions from 6 submitters: Benign (4); Likely benign (1). 1 of the submissions does not count toward it. Last evaluated 2026-02-02.

Conditions:
Glycine encephalopathy. Also called: Nonketotic hyperglycinemia; Non-ketotic hyperglycinemia. Identifiers: Orphanet 407, MedGen C0751748, MONDO:0011612, HP:0008288.

Allele frequency attached by ClinVar (database versions not stated): gnomAD exomes 0.00050 and 0.00147; ExAC 0.00197; 1000 Genomes Project 30x 0.00484; 1000 Genomes Project 0.00559; gnomAD 0.00573 and 0.00620; TOPMed 0.00662; ESP Exome Variant Server 0.00753.
gnomAD v4.1: 1,608 of 1,538,488 alleles (0.1%); highest among the groups gnomAD compares: African/African-American, 1.9%; 11 homozygotes.

Submissions (6):

Labcorp Genetics (formerly Invitae), Labcorp
Classification: Benign for Glycine encephalopathy. Last evaluated: 2026-02-02. Review status: criteria provided, single submitter. Criteria: Invitae Variant Classification Sherloc (09022015). Collection method: clinical testing. Allele origin: germline.

GeneDx
Classification: Benign. Last evaluated: 2021-08-16. Review status: criteria provided, single submitter. Criteria: GeneDx Variant Classification Process June 2021. Collection method: clinical testing. Allele origin: germline. Affected: yes.

Illumina Laboratory Services, Illumina
Classification: Benign for Glycine encephalopathy 1. Last evaluated: 2018-01-12. Review status: criteria provided, single submitter. Criteria: ICSL Variant Classification Criteria 13 December 2019. Collection method: clinical testing. Allele origin: germline.
Comment: This variant was observed in the ICSL laboratory as part of a predisposition screen in an ostensibly healthy population. It had not been previously curated by ICSL or reported in the Human Gene Mutation Database (HGMD: prior to June 1st, 2018), and was therefore a candidate for classification through an automated scoring system. Utilizing variant allele frequency, disease prevalence and penetrance estimates, and inheritance mode, an automated score was calculated to assess if this variant is too frequent to cause the disease. Based on the score and internal cut-off values, a variant classified as benign is not then subjected to further curation. The score for this variant resulted in a classification of benign for this disease.

Athena Diagnostics
Classification: Benign. Last evaluated: 2017-07-03. Review status: criteria provided, single submitter. Criteria: Athena Diagnostics Criteria. Collection method: clinical testing. Allele origin: germline.

Center for Pediatric Genomic Medicine, Children's Mercy Hospital and Clinics
Classification: Likely benign. Last evaluated: 2017-01-05. Review status: criteria provided, single submitter. Criteria: ACMG Guidelines, 2015. Collection method: clinical testing. Allele origin: germline.
ClinVar note: Converted during submission from Likely Benign to Likely benign.

Natera, Inc.
Classification: Benign for Non-ketotic hyperglycinemia. Last evaluated: 2019-10-18. Review status: no assertion criteria provided. Collection method: clinical testing. Allele origin: germline. Not counted in ClinVar's aggregate classification.